The following is an entry in ClinVar:

NM_017436.7(A4GALT):c.995C>T (p.Ala332Val)

Gene: A4GALT (alpha 1,4-galactosyltransferase (P1PK blood group); minus strand). Cytogenetic location: 22q13.2.
Variant type: single nucleotide variant.
Coding change: c.995C>T on transcript NM_017436.7 (MANE Select); coding-DNA position 995, C replaced by T.
Protein change: p.Ala332Val; replaces alanine 332 with valine.
Molecular consequence: missense variant.
Genome position (GRCh38, 1-based): chr22:42,692,957, G>A on the plus strand (C>T on the coding strand, the complement: A4GALT is on the minus strand). VCF-style: chr22-42692957-G-A. GRCh37 (hg19) VCF-style: chr22-43088963-G-A.
Other names: c.995C>T, p.Ala332Val (NM_001318038.3); short protein forms A332V.
Identifiers: ClinVar variation 1937811 (VCV001937811.5), dbSNP rs150217735, ClinGen allele CA10270165.
Genomic context (GRCh38, chr22:42,692,957, plus strand): 5'-TACATTTTCATGGCCTCGTGCGTCGTGGGGCAGTAGCGGGCATGCAGCTGGGCCAGCAGT[G>A]CCCTGGACGTGGCCTCGAACCGCGTGCCCTGGCTCTTCTTGTTCCACACGTGGACAGCAT-3'
Protein context (NP_059132.1, residues 322-342): QGTRFEATSR[Ala332Val]LLAQLHARYC

ClinVar aggregate classification (germline): Uncertain significance (1 of 4 stars; one submission).

Allele frequency attached by ClinVar (database versions not stated): gnomAD exomes below 0.00001; ExAC 0.00001; gnomAD 0.00005; TOPMed 0.00005; ESP Exome Variant Server 0.00015.
gnomAD v4.1: 9 of 1,612,096 alleles (0.00056%); highest among the groups gnomAD compares: African/African-American, 0.012%; no homozygotes.

Submission:

Labcorp Genetics (formerly Invitae), Labcorp
Classification: Uncertain significance. Last evaluated: 2022-07-05. Review status: criteria provided, single submitter. Criteria: Invitae Variant Classification Sherloc (09022015). Collection method: clinical testing. Allele origin: germline.
Comment: This variant has not been reported in the literature in individuals affected with A4GALT-related conditions. This variant is present in population databases (rs150217735, gnomAD 0.01%). Algorithms developed to predict the effect of missense changes on protein structure and function output the following: SIFT: "Not Available"; PolyPhen-2: "Benign"; Align-GVGD: "Not Available". The valine amino acid residue is found in multiple mammalian species, which suggests that this missense change does not adversely affect protein function. In summary, the available evidence is currently insufficient to determine the role of this variant in disease. Therefore, it has been classified as a Variant of Uncertain Significance. This sequence change replaces alanine, which is neutral and non-polar, with valine, which is neutral and non-polar, at codon 332 of the A4GALT protein (p.Ala332Val).